The following is an entry in ClinVar:

ClinVar aggregate classification (germline): Benign. Review status: criteria provided, multiple submitters, no conflicts (2 of 4 stars). 3 submissions from 3 submitters: Benign (3). Last evaluated 2018-11-12.

Allele frequency attached by ClinVar (database versions not stated): gnomAD exomes 0.92414; ExAC 0.93035; 1000 Genomes Project 0.93131; 1000 Genomes Project 30x 0.93364; TOPMed 0.94815; gnomAD 0.94915 and 0.95219; ESP Exome Variant Server 0.95863.

Submissions (3):

GeneDx
Classification: Benign. Last evaluated: 2018-11-12. Review status: criteria provided, single submitter. Criteria: GeneDx Variant Classification Process June 2021. Collection method: clinical testing. Allele origin: germline. Affected: yes.

Laboratory for Molecular Medicine, Mass General Brigham Personalized Medicine
Classification: Benign. Last evaluated: 2016-03-28. Review status: criteria provided, single submitter. Criteria: LMM Criteria. Collection method: clinical testing. Allele origin: germline.
Comment: Variant identified in a genome or exome case(s) and assessed due to predicted null impact of the variant or pathogenic assertions in the literature or databases. Disclaimer: This variant has not undergone full assessment. The following are preliminary notes: Frequency

Breakthrough Genomics
Classification: Benign. Review status: criteria provided, single submitter. Criteria: ACMG Guidelines, 2015. Collection method: not provided. Allele origin: germline. Inheritance: Autosomal recessive inheritance. Affected: yes.

NM_002421.4(MMP1):c.648A>G (p.Ala216=)

Gene: MMP1 (matrix metallopeptidase 1; minus strand). Cytogenetic location: 11q22.2.
Variant type: single nucleotide variant.
Coding change: c.648A>G on transcript NM_002421.4 (MANE Select); coding-DNA position 648, A replaced by G.
Protein change: p.Ala216=; no amino-acid change (alanine 216 retained).
Molecular consequence: synonymous variant.
Genome position (GRCh38, 1-based): chr11:102,795,585, T>C on the plus strand (A>G on the coding strand, the complement: MMP1 is on the minus strand). VCF-style: chr11-102795585-T-C. GRCh37 (hg19) VCF-style: chr11-102666316-T-C.
Other names: c.450A>G, p.Ala150= (NM_001145938.2).
Identifiers: ClinVar variation 403092 (VCV000403092.8), dbSNP rs470558, ClinGen allele CA6250568.